The following is an entry in ClinVar:

NM_007294.4(BRCA1):c.4377_4379del (p.Lys1459_Ser1460delinsAsn)

Gene: BRCA1 (BRCA1 DNA repair associated; minus strand). Cytogenetic location: 17q21.31.
Variant type: Deletion.
Coding change: c.4377_4379del on transcript NM_007294.4 (MANE Select); coding-DNA positions 4377 to 4379, 3 bases deleted (AAG; older notation c.4377_4379delAAG).
Protein change: p.Lys1459_Ser1460delinsAsn.
Molecular consequence: inframe indel. On other transcripts: non-coding transcript variant (1).
Genome position (GRCh38, 1-based): chr17:43,076,593-43,076,595, CTT deleted on the plus strand (AAG on the coding strand, the reverse complement: BRCA1 is on the minus strand). VCF-style (leftmost placement, unchanged base first): chr17-43076592-ACTT-A. GRCh37 (hg19) VCF-style: chr17-41228609-ACTT-A.
Other names: c.4164_4166delAAG, p.Lys1388_Ser1389delinsAsn (NM_001407571.1, NM_001407894.1, NM_001407895.1 and 12 more transcripts); c.4443_4445delAAG, p.Lys1481_Ser1482delinsAsn (NM_001407581.1, NM_001407582.1); c.4440_4442delAAG, p.Lys1480_Ser1481delinsAsn (NM_001407583.1, NM_001407585.1, NM_001407587.1); c.4437_4439delAAG, p.Lys1479_Ser1480delinsAsn (NM_001407590.1, NM_001407591.1); c.4377_4379delAAG, p.Lys1459_Ser1460delinsAsn (NM_001407593.1, NM_001407594.1, NM_001407596.1 and 8 more transcripts); c.4374_4376delAAG, p.Lys1458_Ser1459delinsAsn (NM_001407610.1, NM_001407611.1, NM_001407612.1 and 17 more transcripts); c.4371_4373delAAG, p.Lys1457_Ser1458delinsAsn (NM_001407627.1, NM_001407628.1, NM_001407629.1 and 14 more transcripts); c.4368_4370delAAG, p.Lys1456_Ser1457delinsAsn (NM_001407644.1, NM_001407645.1); and 71 more.
Identifiers: ClinVar variation 849158 (VCV000849158.8), dbSNP rs2052742922, ClinGen allele CA916080212.
Genomic context (GRCh38, chr17:43,076,592, plus strand): 5'-AGACACCTCAAACTTGTCAGCAGAAAGGCCTTCTGGATTCTGGCTTATAGGGTATTCACT[ACTT>A]TTCTGTGAAGTTAATACTGCTTTAAATGGAATGAGAAAACAAATCTACTTTACTGCTTTG-3'

ClinVar aggregate classification (germline): Conflicting classifications of pathogenicity. Review status: criteria provided, conflicting classifications (1 of 4 stars). 2 submissions from 2 submitters: Uncertain significance (1); Likely benign (1). Last evaluated 2025-12-03.

Conditions:
Hereditary breast ovarian cancer syndrome. Also called: BRCA1- and BRCA2-Associated Hereditary Breast and Ovarian Cancer; Hereditary breast and ovarian cancer; Hereditary breast and ovarian cancer syndrome (HBOC); Breast and ovarian cancer; Hereditary breast and/or ovarian cancer syndrome; Hereditary breast and ovarian cancer syndrome. Identifiers: Orphanet 145, MedGen C0677776, MeSH D061325, MONDO:0003582. Disease mechanism: loss of function.
Hereditary cancer-predisposing syndrome. Also called: Tumor predisposition; Neoplastic Syndromes, Hereditary; Hereditary Cancer Syndrome; Hereditary neoplastic syndrome. Identifiers: Orphanet 140162, MedGen C0027672, MeSH D009386, MONDO:0015356.

Allele frequency attached by ClinVar (database versions not stated): gnomAD exomes below 0.00001.

Submissions (2):

Ambry Genetics
Classification: Likely benign for Hereditary cancer-predisposing syndrome. Last evaluated: 2025-12-03. Review status: criteria provided, single submitter. Criteria: Ambry Variant Classification Scheme 2023. Collection method: clinical testing. Allele origin: germline.

Labcorp Genetics (formerly Invitae), Labcorp
Classification: Uncertain significance for Hereditary breast ovarian cancer syndrome. Last evaluated: 2019-07-10. Review status: criteria provided, single submitter. Criteria: Invitae Variant Classification Sherloc (09022015). Collection method: clinical testing. Allele origin: germline.
Comment: In summary, the available evidence is currently insufficient to determine the role of this variant in disease. Therefore, it has been classified as a Variant of Uncertain Significance. Experimental studies and prediction algorithms are not available for this variant, and the functional significance of the affected amino acid(s) is currently unknown. This variant has not been reported in the literature in individuals with BRCA1-related conditions. This variant is not present in population databases (ExAC no frequency). This variant, c.4377_4379del, results in the deletion of 1 amino acid of the BRCA1 protein (p.Lys1459_Ser1460delinsAsn), but otherwise preserves the integrity of the reading frame.

Literature cited by the submitters: PubMed 36171434 (cited by Ambry Genetics).